The following is an entry in ClinVar:

NM_147127.5(EVC2):c.2194G>A (p.Ala732Thr)

Gene: EVC2 (EvC ciliary complex subunit 2; minus strand). Cytogenetic location: 4p16.2.
Variant type: single nucleotide variant.
Coding change: c.2194G>A on transcript NM_147127.5 (MANE Select); coding-DNA position 2194, G replaced by A.
Protein change: p.Ala732Thr; replaces alanine 732 with threonine.
Molecular consequence: missense variant.
Genome position (GRCh38, 1-based): chr4:5,622,844, C>T on the plus strand (G>A on the coding strand, the complement: EVC2 is on the minus strand). VCF-style: chr4-5622844-C-T. GRCh37 (hg19) VCF-style: chr4-5624571-C-T.
Other names: c.1954G>A, p.Ala652Thr (NM_001166136.2); short protein forms A652T, A732T.
Identifiers: ClinVar variation 4985071 (VCV004985071.1).

ClinVar aggregate classification (germline): Uncertain significance (1 of 4 stars; one submission).

Conditions:
EVC2-related disorder. Also called: EVC2-related condition.

gnomAD v4.1: 15 of 1,614,122 alleles (0.00093%); highest among the groups gnomAD compares: Middle Eastern, 0.016%; no homozygotes.

Submission:

PreventionGenetics, part of Exact Sciences
Classification: Uncertain significance for EVC2-related condition. Last evaluated: 2026-02-28. Review status: criteria provided, single submitter. Criteria: ACMG Guidelines, 2015. Collection method: clinical testing. Allele origin: germline.
Comment: The EVC2 c.2194G>A variant is predicted to result in the amino acid substitution p.Ala732Thr. This variant has been reported as a de novo finding in a cohort of patients with autism; however, no additional information was provided to assess pathogenicity (Zhou et al. 2022. PubMed ID: 35982159). This variant is reported in 0.0033% of alleles in individuals of South Asian descent in gnomAD. At this time, the clinical significance of this variant is uncertain due to the absence of conclusive functional and genetic evidence.